The following is an entry in ClinVar:

NM_000090.4(COL3A1):c.80C>G (p.Ala27Gly)

Gene: COL3A1 (collagen type III alpha 1 chain; plus strand). Cytogenetic location: 2q32.2.
Variant type: single nucleotide variant.
Coding change: c.80C>G on transcript NM_000090.4 (MANE Select); coding-DNA position 80, C replaced by G.
Protein change: p.Ala27Gly; replaces alanine 27 with glycine.
Molecular consequence: missense variant.
Genome position (GRCh38, 1-based): chr2:188,984,760, C>G. VCF-style: chr2-188984760-C-G. GRCh37 (hg19) VCF-style: chr2-189849486-C-G.
Other names: short protein forms A27G.
Identifiers: ClinVar variation 3072869 (VCV003072869.1), dbSNP rs759521597, ClinGen allele CA076965.

ClinVar aggregate classification (germline): Uncertain significance (1 of 4 stars; one submission).

Conditions:
Ehlers-Danlos syndrome, type 4 (EDSVASC). Also called: Ehlers-Danlos Syndrome Type IV; Ehlers-Danlos syndrome vascular type; Ehlers Danlos syndrome, ecchymotic type; Ehlers Danlos syndrome, arterial type; Ehlers Danlos syndrome, Sack-Barabas type. Identifiers: Orphanet 286, MedGen C0268338, MONDO:0017314, OMIM 130050.

Allele frequency attached by ClinVar (database versions not stated): gnomAD exomes below 0.00001; TOPMed below 0.00001; ExAC 0.00001.
gnomAD v4.1: 3 of 1,612,784 alleles (0.00019%); highest among the groups gnomAD compares: African/African-American, 0.004%; no homozygotes.

Submission:

All of Us Research Program, National Institutes of Health
Classification: Uncertain significance for Ehlers-Danlos syndrome, type 4. Last evaluated: 2023-08-15. Review status: criteria provided, single submitter. Criteria: ACMG Guidelines, 2015. Collection method: clinical testing. Allele origin: germline. Inheritance: Autosomal dominant inheritance. Observed: 1 variant allele, 1 heterozygote.
Comment: This missense variant replaces alanine with glycine at codon 27 of the COL3A1 protein. Computational prediction suggests that this variant may not impact protein structure and function (internally defined REVEL score threshold <= 0.5, PMID: 27666373). To our knowledge, functional studies have not been reported for this variant. This variant has not been reported in individuals affected with COL3A1-related disorders in the literature. This variant has been identified in 2/282166 chromosomes in the general population by the Genome Aggregation Database (gnomAD). The available evidence is insufficient to determine the role of this variant in disease conclusively. Therefore, this variant is classified as a Variant of Uncertain Significance.

This study involves interpretation of variants in research participants for the purpose of population health screening. Participant phenotype was not available at the time of variant classification. Additional details can be found in publication PMID: 35346344, PMCID: PMC8962531